The following is an entry in ClinVar:

NM_001165963.4(SCN1A):c.3124C>T (p.Gln1042Ter)

Genes: SCN1A (sodium voltage-gated channel alpha subunit 1; minus strand), LOC102724058 (uncharacterized LOC102724058; plus strand). Cytogenetic location: 2q24.3.
Variant type: single nucleotide variant.
Coding change: c.3124C>T on transcript NM_001165963.4 (MANE Select); coding-DNA position 3124, C replaced by T.
Protein change: p.Gln1042Ter; replaces glutamine 1042 with a stop codon.
Molecular consequence: nonsense. On other transcripts: non-coding transcript variant (2).
Genome position (GRCh38, 1-based): chr2:166,036,353, G>A on the plus strand (C>T on the coding strand, the complement: SCN1A is on the minus strand). VCF-style: chr2-166036353-G-A. GRCh37 (hg19) VCF-style: chr2-166892863-G-A.
Other names: c.3091C>T (NM_006920.5); c.3040C>T, p.Gln1014Ter (NM_001165964.3, NM_001353957.2, NM_001353958.2); c.3124C>T, p.Gln1042Ter (NM_001202435.3, NM_001353948.2); c.3091C>T, p.Gln1031Ter (NM_001353949.2, NM_001353950.2, NM_001353951.2 and 2 more transcripts); c.3088C>T, p.Gln1030Ter (NM_001353954.2, NM_001353955.2); c.3037C>T, p.Gln1013Ter (NM_001353960.2); c.682C>T, p.Gln228Ter (NM_001353961.2); short protein forms Q1014*, Q1030*, Q1031*, Q1013*, Q1042*, Q228*.
Identifiers: ClinVar variation 1445952 (VCV001445952.7), dbSNP rs1553540342, ClinGen allele CA349059897.

ClinVar aggregate classification (germline): Pathogenic. Review status: criteria provided, multiple submitters, no conflicts (2 of 4 stars). 2 submissions from 2 submitters: Pathogenic (2). Last evaluated 2022-09-13.

Conditions:
Early-infantile DEE. Also called: Ohtahara syndrome; Early infantile epileptic encephalopathy; Early infantile epileptic encephalopathy with suppression bursts. Identifiers: Orphanet 1934, MedGen C0393706, MONDO:0800491.
Severe myoclonic epilepsy in infancy (DRVT). Also called: Epileptic encephalopathy, early infantile, 6 (Dravet syndrome); SEVERE MYOCLONIC EPILEPSY OF INFANCY; DEVELOPMENTAL AND EPILEPTIC ENCEPHALOPATHY 6A; Severe Myoclonic Epilepsy in Infancy (SMEI); Dravet syndrome. Identifiers: Orphanet 33069, MedGen C0751122, MONDO:0100135, OMIM 607208.

Submissions (2):

New York Genome Center
Classification: Pathogenic for Severe myoclonic epilepsy in infancy. Last evaluated: 2022-09-13. Review status: criteria provided, single submitter. Criteria: NYGC Assertion Criteria 2020. Collection method: clinical testing. Allele origin: de novo. Affected: yes. Observed: 1 heterozygote.
Comment: The c.3124C>T variant has previously been reported in individual(s) with intractable epilepsy [PMID: 23195492] and it has been deposited in ClinVar [ClinVar ID:1445952] as Pathogenic. The c.3124C>T variant is absent from population databases (gnomAD v2.1.1 and v3.1.2, TOPMed Freeze 8), suggesting it is not a common benign variant in the populations represented in those databases. The c.3124C>T variant is located in exon 19 of this 29-exon gene and incorporates a premature termination codon p.(Gln1042Ter), and is expected to result in loss of function via nonsense-mediated decay. Based on available evidence, this de novo c.3124C>Tp.(Gln1042Ter) variant identified in SCN1A is classified as Pathogenic.

Labcorp Genetics (formerly Invitae), Labcorp
Classification: Pathogenic for Early-infantile DEE. Last evaluated: 2021-09-22. Review status: criteria provided, single submitter. Criteria: Invitae Variant Classification Sherloc (09022015). Collection method: clinical testing. Allele origin: germline.
Comment: This sequence change creates a premature translational stop signal (p.Gln1042*) in the SCN1A gene. It is expected to result in an absent or disrupted protein product. Loss-of-function variants in SCN1A are known to be pathogenic (PMID: 17347258, 18930999). This variant is not present in population databases (ExAC no frequency). This premature translational stop signal has been observed in individual(s) with SCN1A-related conditions (PMID: 23195492). For these reasons, this variant has been classified as Pathogenic.

Literature cited by the submitters: PubMed 17347258 (cited by Labcorp Genetics (formerly Invitae), Labcorp); PubMed 18930999 (cited by Labcorp Genetics (formerly Invitae), Labcorp); PubMed 23195492 (cited by Labcorp Genetics (formerly Invitae), Labcorp).